The following is an entry in ClinVar:

ClinVar aggregate classification (germline): Benign. Review status: criteria provided, multiple submitters, no conflicts (2 of 4 stars). 2 submissions from 2 submitters: Benign (2). Last evaluated 2025-07-01.

Allele frequency attached by ClinVar (database versions not stated): 1000 Genomes Project 0.06510; 1000 Genomes Project 30x 0.06527; ExAC 0.03839; gnomAD exomes 0.03792; gnomAD 0.05444 and 0.05548; ESP Exome Variant Server 0.05636; TOPMed 0.05874.
gnomAD v4.1: 47,294 of 1,614,074 alleles (2.9%); highest among the groups gnomAD compares: African/African-American, 12%; 1,195 homozygotes.

Submissions (2):

ARUP Laboratories, Molecular Genetics and Genomics, ARUP Laboratories
Classification: Benign. Last evaluated: 2025-07-01. Review status: criteria provided, single submitter. Criteria: ARUP Molecular Germline Variant Investigation Process 2024. Collection method: clinical testing. Allele origin: germline.

GeneDx
Classification: Benign. Last evaluated: 2019-07-15. Review status: criteria provided, single submitter. Criteria: GeneDx Variant Classification Process June 2021. Collection method: clinical testing. Allele origin: germline. Affected: yes.
Comment: This variant is associated with the following publications: (PMID: 22939045, 22228101)

NM_001072.4(UGT1A6):c.627G>T (p.Val209=)

Genes: UGT1A7 (UDP glucuronosyltransferase family 1 member A7; plus strand), UGT1A (UDP glucuronosyltransferase family 1 member A complex locus; plus strand), UGT1A10 (UDP glucuronosyltransferase family 1 member A10; plus strand), UGT1A6 (UDP glucuronosyltransferase family 1 member A6; plus strand), UGT1A8 (UDP glucuronosyltransferase family 1 member A8; plus strand) and 1 more. Cytogenetic location: 2q37.1.
Variant type: single nucleotide variant.
Coding change: c.627G>T on transcript NM_001072.4 (MANE Select); coding-DNA position 627, G replaced by T.
Protein change: p.Val209=; no amino-acid change (valine 209 retained).
Molecular consequence: synonymous variant. On other transcripts: intron variant (5).
Genome position (GRCh38, 1-based): chr2:233,693,631, G>T. VCF-style: chr2-233693631-G-T. GRCh37 (hg19) VCF-style: chr2-234602277-G-T.
Other names: c.856-73403G>T (NM_019076.5); c.855+56254G>T (NM_019075.4); c.855+20842G>T (NM_021027.3); c.855+10839G>T (NM_019077.3); c.-7-168G>T (NM_205862.3).
Identifiers: ClinVar variation 440382 (VCV000440382.19), dbSNP rs17863783, ClinGen allele CA2178530.